The following is an entry in ClinVar:

ClinVar aggregate classification (germline): Uncertain significance. Review status: criteria provided, multiple submitters, no conflicts (2 of 4 stars). 2 submissions from 2 submitters: Uncertain significance (2). Last evaluated 2025-06-09.

Conditions:
FAT2-related disorder. Also called: FAT2-related condition.

Allele frequency attached by ClinVar (database versions not stated): gnomAD 0.00001; ExAC 0.00002; gnomAD exomes 0.00002; ESP Exome Variant Server 0.00008.
gnomAD v4.1: 25 of 1,613,808 alleles (0.0015%); highest among the groups gnomAD compares: Middle Eastern, 0.033%; no homozygotes.

Submissions (2):

PreventionGenetics, part of Exact Sciences
Classification: Uncertain significance for FAT2-related condition. Last evaluated: 2025-06-09. Review status: criteria provided, single submitter. Criteria: ACMG Guidelines, 2015. Collection method: clinical testing. Allele origin: germline.
Comment: The FAT2 c.3019C>A variant is predicted to result in the amino acid substitution p.Pro1007Thr. To our knowledge, this variant has not been reported in the literature. This variant is reported in 0.0047% of alleles in individuals of European (Non-Finnish) descent in gnomAD. At this time, the clinical significance of this variant is uncertain due to the absence of conclusive functional and genetic evidence.

Ambry Genetics
Classification: Uncertain significance. Last evaluated: 2021-06-18. Review status: criteria provided, single submitter. Criteria: Ambry Variant Classification Scheme 2023. Collection method: clinical testing. Allele origin: germline.

NM_001447.3(FAT2):c.3019C>A (p.Pro1007Thr)

Gene: FAT2 (FAT atypical cadherin 2; minus strand). Cytogenetic location: 5q33.1.
Variant type: single nucleotide variant.
Coding change: c.3019C>A on transcript NM_001447.3 (MANE Select); coding-DNA position 3019, C replaced by A.
Protein change: p.Pro1007Thr; replaces proline 1007 with threonine.
Molecular consequence: missense variant.
Genome position (GRCh38, 1-based): chr5:151,565,913, G>T on the plus strand (C>A on the coding strand, the complement: FAT2 is on the minus strand). VCF-style: chr5-151565913-G-T. GRCh37 (hg19) VCF-style: chr5-150945474-G-T.
Other names: short protein forms P1007T.
Identifiers: ClinVar variation 2233585 (VCV002233585.3), dbSNP rs368492693, ClinGen allele CA3521940.